The following is an entry in ClinVar:

ClinVar aggregate classification (germline): Uncertain significance (1 of 4 stars; one submission).

Submission:

Ambry Genetics
Classification: Uncertain significance. Last evaluated: 2026-05-28. Review status: criteria provided, single submitter. Criteria: Ambry Variant Classification Scheme 2023. Collection method: clinical testing. Allele origin: germline.
Comment: The p.I691L variant (also known as c.2071A>C), located in coding exon 14 of the RINT1 gene, results from an A to C substitution at nucleotide position 2071. The isoleucine at codon 691 is replaced by leucine, an amino acid with highly similar properties. This amino acid position is conserved. In addition, this alteration is predicted to be tolerated by in silico analysis. Based on the available evidence, the clinical significance of this variant remains unclear.

NM_021930.6(RINT1):c.2071A>C (p.Ile691Leu)

Genes: EFCAB10 (EF-hand calcium binding domain 10; minus strand), RINT1 (RAD50 interactor 1; plus strand). Cytogenetic location: 7q22.3.
Variant type: single nucleotide variant.
Coding change: c.2071A>C on transcript NM_021930.6 (MANE Select); coding-DNA position 2071, A replaced by C.
Protein change: p.Ile691Leu; replaces isoleucine 691 with leucine.
Molecular consequence: missense variant. On other transcripts: 3 prime UTR variant (1), non-coding transcript variant (1), intron variant (2).
Genome position (GRCh38, 1-based): chr7:105,565,533, A>C. VCF-style: chr7-105565533-A-C. GRCh37 (hg19) VCF-style: chr7-105205980-A-C.
Other names: c.*16T>G (NM_001355530.2); c.1837A>C, p.Ile613Leu (NM_001346599.2); c.1048A>C, p.Ile350Leu (NM_001346600.2, NM_001346603.2); c.1147A>C, p.Ile383Leu (NM_001346601.2); c.360-86T>G (NM_001355531.2); c.384-86T>G (NM_001355526.2); short protein forms I350L, I383L, I613L, I691L.
Identifiers: ClinVar variation 4863346 (VCV004863346.1).
Genomic context (GRCh38, chr7:105,565,533, plus strand): 5'-CTGTTTTTGGGCTGTGATAATAAAGACAACTGTTATATGAATTATTCTTTGTTTCAGATA[A>C]TTCTTGCTAATCACTTCAATGAAGGAGGAGCAGCCCAGCTGCAGTTTGATATGACTCGGA-3'
Protein context (NP_068749.3, residues 681-701): KLDVYIYQEI[Ile691Leu]LANHFNEGGA